The following is an entry in ClinVar:

ClinVar aggregate classification (germline): Uncertain significance (1 of 4 stars; one submission).

Conditions:
Benign neonatal seizures. Also called: Benign neonatal familial convulsions; Benign familial neonatal epilepsy; Benign familial neonatal seizures; Convulsions benign familial neonatal dominant form; Autosomal dominant form of benign neonatal seizures. Identifiers: Orphanet 1949, MedGen C0220669, MONDO:0016027.

gnomAD v4.1: 17 of 1,614,222 alleles (0.0011%); highest among the groups gnomAD compares: Admixed American, 0.0017%; no homozygotes.

Submission:

Labcorp Genetics (formerly Invitae), Labcorp
Classification: Uncertain significance for Benign neonatal seizures. Last evaluated: 2024-10-30. Review status: criteria provided, single submitter. Criteria: Invitae Variant Classification Sherloc (09022015). Collection method: clinical testing. Allele origin: germline.
Comment: This sequence change replaces glutamine, which is neutral and polar, with leucine, which is neutral and non-polar, at codon 653 of the KCNQ3 protein (p.Gln653Leu). This variant is not present in population databases (gnomAD no frequency). This variant has not been reported in the literature in individuals affected with KCNQ3-related conditions. ClinVar contains an entry for this variant (Variation ID: 2196431). Invitae Evidence Modeling of protein sequence and biophysical properties (such as structural, functional, and spatial information, amino acid conservation, physicochemical variation, residue mobility, and thermodynamic stability) indicates that this missense variant is not expected to disrupt KCNQ3 protein function with a negative predictive value of 95%. In summary, the available evidence is currently insufficient to determine the role of this variant in disease. Therefore, it has been classified as a Variant of Uncertain Significance.

NM_004519.4(KCNQ3):c.1958A>T (p.Gln653Leu)

Gene: KCNQ3 (potassium voltage-gated channel subfamily Q member 3; minus strand). Cytogenetic location: 8q24.22.
Variant type: single nucleotide variant.
Coding change: c.1958A>T on transcript NM_004519.4 (MANE Select); coding-DNA position 1958, A replaced by T.
Protein change: p.Gln653Leu; replaces glutamine 653 with leucine.
Molecular consequence: missense variant.
Genome position (GRCh38, 1-based): chr8:132,129,923, T>A on the plus strand (A>T on the coding strand, the complement: KCNQ3 is on the minus strand). VCF-style: chr8-132129923-T-A. GRCh37 (hg19) VCF-style: chr8-133142170-T-A.
Other names: c.1598A>T, p.Gln533Leu (NM_001204824.2); short protein forms Q653L, Q533L.
Identifiers: ClinVar variation 2196431 (VCV002196431.4), dbSNP rs554833870, ClinGen allele CA372217250.